The following is an entry in ClinVar:

ClinVar aggregate classification (germline): Uncertain significance (1 of 4 stars; one submission).

Submission:

Labcorp Genetics (formerly Invitae), Labcorp
Classification: Uncertain significance. Last evaluated: 2021-07-08. Review status: criteria provided, single submitter. Criteria: Invitae Variant Classification Sherloc (09022015). Collection method: clinical testing. Allele origin: germline.
Comment: This variant is not present in population databases (ExAC no frequency). This sequence change replaces histidine with aspartic acid at codon 194 of the ACO2 protein (p.His194Asp). The histidine residue is highly conserved and there is a moderate physicochemical difference between histidine and aspartic acid. This variant has not been reported in the literature in individuals affected with ACO2-related conditions. Advanced modeling of protein sequence and biophysical properties (such as structural, functional, and spatial information, amino acid conservation, physicochemical variation, residue mobility, and thermodynamic stability) performed at Invitae indicates that this missense variant is expected to disrupt ACO2 protein function. In summary, the available evidence is currently insufficient to determine the role of this variant in disease. Therefore, it has been classified as a Variant of Uncertain Significance.

NM_001098.3(ACO2):c.580C>G (p.His194Asp)

Gene: ACO2 (aconitase 2; plus strand). Cytogenetic location: 22q13.2.
Variant type: single nucleotide variant.
Coding change: c.580C>G on transcript NM_001098.3 (MANE Select); coding-DNA position 580, C replaced by G.
Protein change: p.His194Asp; replaces histidine 194 with aspartic acid.
Molecular consequence: missense variant.
Genome position (GRCh38, 1-based): chr22:41,515,431, C>G. VCF-style: chr22-41515431-C-G. GRCh37 (hg19) VCF-style: chr22-41911435-C-G.
Other names: short protein forms H194D.
Identifiers: ClinVar variation 1469308 (VCV001469308.8), dbSNP rs2146124412, ClinGen allele CA411717870.